The following is an entry in ClinVar:

NM_001375808.2(LPIN2):c.2594G>A (p.Ser865Asn)

Gene: LPIN2 (lipin 2; minus strand). Cytogenetic location: 18p11.31.
Variant type: single nucleotide variant.
Coding change: c.2594G>A on transcript NM_001375808.2 (MANE Select); coding-DNA position 2594, G replaced by A.
Protein change: p.Ser865Asn; replaces serine 865 with asparagine.
Molecular consequence: missense variant.
Genome position (GRCh38, 1-based): chr18:2,920,390, C>T on the plus strand (G>A on the coding strand, the complement: LPIN2 is on the minus strand). VCF-style: chr18-2920390-C-T. GRCh37 (hg19) VCF-style: chr18-2920388-C-T.
Other names: c.2594G>A, p.Ser865Asn (NM_001375809.1, NM_014646.2); short protein forms S865N.
Identifiers: ClinVar variation 1499564 (VCV001499564.8), dbSNP rs1398896345, ClinGen allele CA401693888.

ClinVar aggregate classification (germline): Uncertain significance (1 of 4 stars; one submission).

Conditions:
Majeed syndrome (MJDS). Also called: LPIN2-Related Majeed Syndrome; CHRONIC RECURRENT MULTIFOCAL OSTEOMYELITIS 1, WITH CONGENITAL DYSERYTHROPOIETIC ANEMIA, WITH OR WITHOUT NEUTROPHILIC DERMATOSIS. Identifiers: Orphanet 77297, MedGen C1864997, MONDO:0012316, OMIM 609628.

Submission:

Labcorp Genetics (formerly Invitae), Labcorp
Classification: Uncertain significance for Majeed syndrome. Last evaluated: 2024-05-22. Review status: criteria provided, single submitter. Criteria: Invitae Variant Classification Sherloc (09022015). Collection method: clinical testing. Allele origin: germline.
Comment: This sequence change replaces serine, which is neutral and polar, with asparagine, which is neutral and polar, at codon 865 of the LPIN2 protein (p.Ser865Asn). This variant is not present in population databases (gnomAD no frequency). This variant has not been reported in the literature in individuals affected with LPIN2-related conditions. ClinVar contains an entry for this variant (Variation ID: 1499564). Advanced modeling of protein sequence and biophysical properties (such as structural, functional, and spatial information, amino acid conservation, physicochemical variation, residue mobility, and thermodynamic stability) performed at Invitae indicates that this missense variant is not expected to disrupt LPIN2 protein function with a negative predictive value of 80%. In summary, the available evidence is currently insufficient to determine the role of this variant in disease. Therefore, it has been classified as a Variant of Uncertain Significance.